The following is an entry in ClinVar:

ClinVar aggregate classification (germline): Pathogenic (1 of 4 stars; one submission).

Submission:

Labcorp Genetics (formerly Invitae), Labcorp
Classification: Pathogenic. Last evaluated: 2024-06-23. Review status: criteria provided, single submitter. Criteria: Invitae Variant Classification Sherloc (09022015). Collection method: clinical testing. Allele origin: germline.
Comment: This sequence change creates a premature translational stop signal (p.Leu82Profs*137) in the LTBP2 gene. It is expected to result in an absent or disrupted protein product. Loss-of-function variants in LTBP2 are known to be pathogenic (PMID: 19361779, 19656777, 22025892). This variant is not present in population databases (gnomAD no frequency). This variant has not been reported in the literature in individuals affected with LTBP2-related conditions. ClinVar contains an entry for this variant (Variation ID: 2069741). For these reasons, this variant has been classified as Pathogenic.

Literature cited by the submitters: PubMed 19361779; PubMed 19656777; PubMed 22025892.

NM_000428.3(LTBP2):c.244_263del (p.Leu82fs)

Gene: LTBP2 (latent transforming growth factor beta binding protein 2; minus strand). Cytogenetic location: 14q24.3.
Variant type: Deletion.
Coding change: c.244_263del on transcript NM_000428.3 (MANE Select); coding-DNA positions 244 to 263, 20 bases deleted (TTGCAGCCCGTGGAGCGGGC).
Protein change: p.Leu82fs; shifts the reading frame from leucine 82.
Molecular consequence: frameshift variant.
Genome position (GRCh38, 1-based): chr14:74,611,682-74,611,701, GCCCGCTCCACGGGCTGCAA deleted on the plus strand (TTGCAGCCCGTGGAGCGGGC on the coding strand, the reverse complement: LTBP2 is on the minus strand); deleting any 20 consecutive bases within chr14:74,611,682-74,611,707 gives the same sequence; the c. name uses the placement nearest the transcript's 3' end. VCF-style (leftmost placement, unchanged base first): chr14-74611681-GGCCCGCTCCACGGGCTGCAA-G. GRCh37 (hg19) VCF-style: chr14-75078384-GGCCCGCTCCACGGGCTGCAA-G.
Other names: short protein forms L82fs.
Identifiers: ClinVar variation 2069741 (VCV002069741.4), dbSNP rs768947464, ClinGen allele CA7270236.
Genomic context (GRCh38, chr14:74,611,681, plus strand): 5'-GCGGGACGGCCTCCTGGCCTCCGCCTCGGTGGGCCTCCTGGGGCTCCCCCAGCCCGGCTG[GGCCCGCTCCACGGGCTGCAA>G]GCCCGCGACAGGCGCGTCCTGCTCCCGGAACAGACTGTACACCTTGGCTGCAGCCGCTGC-3'